The following is an entry in ClinVar:

Conditions:
Breast-ovarian cancer, familial, susceptibility to, 1 (BROVCA1). Also called: BRCA1 Hereditary Breast and Ovarian Cancer; OVARIAN CANCER, SUSCEPTIBILITY TO. Identifiers: Orphanet 145, MedGen C2676676, MONDO:0011450, OMIM 604370. Disease mechanism: loss of function.

Submission:

Brotman Baty Institute, University of Washington
No classification provided (evidence only). Condition: Breast-ovarian cancer, familial 1. Review status: no classification provided. Collection method: in vitro. Allele origin: not applicable. Functional consequence: functionally_normal.
ClinVar note: "not provided" was previously submitted as the classification for the variant. However, the classification appeared to be based only on an observation of functional data so it was converted to no classification on 2025-07-30.

NM_007294.4(BRCA1):c.202A>T (p.Ile68Leu)

Gene: BRCA1 (BRCA1 DNA repair associated; minus strand). Cytogenetic location: 17q21.31.
Variant type: single nucleotide variant.
Coding change: c.202A>T on transcript NM_007294.4 (MANE Select); coding-DNA position 202, A replaced by T.
Protein change: p.Ile68Leu; replaces isoleucine 68 with leucine.
Molecular consequence: missense variant.
Genome position (GRCh38, 1-based): chr17:43,106,466, T>A on the plus strand (A>T on the coding strand, the complement: BRCA1 is on the minus strand). VCF-style: chr17-43106466-T-A. GRCh37 (hg19) VCF-style: chr17-41258483-T-A.
Other names: c.202A>T, p.Ile68Leu (NM_001407649.1, NM_001407652.1, NM_001407664.1 and 168 more transcripts); c.61A>T, p.Ile21Leu (NM_001407692.1, NM_001407694.1, NM_001407695.1 and 99 more transcripts); short protein forms I21L, I68L.
Identifiers: ClinVar variation 867941 (VCV000867941.3), dbSNP rs1555597195, ClinGen allele CA10601762.